The following is an entry in ClinVar:

ClinVar aggregate classification (germline): Uncertain significance (1 of 4 stars; one submission).

Conditions:
Hereditary cancer-predisposing syndrome. Also called: Neoplastic Syndromes, Hereditary; Tumor predisposition; Hereditary Cancer Syndrome; Hereditary neoplastic syndrome. Identifiers: Orphanet 140162, MedGen C0027672, MeSH D009386, MONDO:0015356.

Submission:

Ambry Genetics
Classification: Uncertain significance for Hereditary cancer-predisposing syndrome. Last evaluated: 2025-12-03. Review status: criteria provided, single submitter. Criteria: Ambry Variant Classification Scheme 2023. Collection method: clinical testing. Allele origin: germline.
Comment: The p.A300P variant (also known as c.898G>C), located in coding exon 8 of the APC gene, results from a G to C substitution at nucleotide position 898. The alanine at codon 300 is replaced by proline, an amino acid with highly similar properties. This amino acid position is not well conserved in available vertebrate species. In addition, in silico predictors for this gene do not accurately predict pathogenicity. Missense variants in APC are not a common cause of disease (Spier I et al. Genet Med. 2024 Feb;26(2):100992). Based on the available evidence, the clinical significance of this variant remains unclear.

NM_000038.6(APC):c.898G>C (p.Ala300Pro)

Gene: APC (APC regulator of Wnt signaling pathway; plus strand). Cytogenetic location: 5q22.2.
Variant type: single nucleotide variant.
Coding change: c.898G>C on transcript NM_000038.6 (MANE Select); coding-DNA position 898, G replaced by C.
Protein change: p.Ala300Pro; replaces alanine 300 with proline.
Molecular consequence: missense variant. On other transcripts: non-coding transcript variant (2).
Genome position (GRCh38, 1-based): chr5:112,815,558, G>C. VCF-style: chr5-112815558-G-C. GRCh37 (hg19) VCF-style: chr5-112151255-G-C.
Other names: c.898G>C, p.Ala300Pro (NM_001127510.3, NM_001354895.2, NM_001354896.2 and 12 more transcripts); c.844G>C, p.Ala282Pro (NM_001127511.3); c.928G>C, p.Ala310Pro (NM_001354897.2, NM_001354902.2, NM_001407446.1); c.823G>C, p.Ala275Pro (NM_001354898.2, NM_001354904.2, NM_001407451.1); c.814G>C, p.Ala272Pro (NM_001354899.2, NM_001407452.1, NM_001407467.1 and 1 more transcripts); c.721G>C, p.Ala241Pro (NM_001354900.2, NM_001354901.2, NM_001354905.2 and 1 more transcripts); c.49G>C, p.Ala17Pro (NM_001354906.2, NM_001407470.1, NM_001407471.1 and 1 more transcripts); short protein forms A17P, A241P, A272P, A275P, A300P, A282P, A310P.
Identifiers: ClinVar variation 4594612 (VCV004594612.1).